The following is an entry in ClinVar:

ClinVar aggregate classification (germline): Conflicting classifications of pathogenicity. Review status: criteria provided, conflicting classifications (1 of 4 stars). 2 submissions from 1 submitter: Uncertain significance (1); Benign (1). Last evaluated 2017-04-27.

Conditions:
Muscular dystrophy-dystroglycanopathy (congenital with brain and eye anomalies), type A, 4 (MDDGA4). Also called: Walker-Warburg Syndrome, Fktn-Related; Congenital muscular dystrophy-dystroglycanopathy with brain and eye anomalies, type A4; WALKER-WARBURG SYNDROME OR MUSCLE-EYE-BRAIN DISEASE, FKTN-RELATED; Muscular dystrophy, congenital progressive, with mental retardation; Muscular dystrophy, congenital, with central nervous system involvement; Cerebromuscular dystrophy, Fukuyama type. Identifiers: Orphanet 272, Orphanet 588, Orphanet 899, MedGen C0410174, MONDO:0009678, OMIM 253800.
Dilated cardiomyopathy 1X (CMD1X). Also called: CARDIOMYOPATHY, DILATED, WITH MILD OR NO PROXIMAL MUSCLE WEAKNESS; FKTN-Related Dilated Cardiomyopathy. Identifiers: Orphanet 154, MedGen C1969024, MONDO:0012704, OMIM 611615.

Allele frequency attached by ClinVar (database versions not stated): gnomAD exomes 0.00007; gnomAD 0.00026 and 0.00047; TOPMed 0.00072; 1000 Genomes Project 30x 0.00312; 1000 Genomes Project 0.00319.
gnomAD v4.1: 136 of 986,944 alleles (0.014%); highest among the groups gnomAD compares: East Asian, 1.3%; 2 homozygotes.

Submissions (2):

Illumina Laboratory Services, Illumina
Classification: Benign for Muscular dystrophy-dystroglycanopathy (congenital with brain and eye anomalies), type A, 4. Last evaluated: 2017-04-27. Review status: criteria provided, single submitter. Criteria: ICSL Variant Classification Criteria 13 December 2019. Collection method: clinical testing. Allele origin: germline.
Comment: This variant was observed as part of a predisposition screen in an ostensibly healthy population. A literature search was performed for the gene, cDNA change, and amino acid change (where applicable). No publications were found based on this search. Allele frequency data from public databases was too high to be consistent with this variant causing disease. Therefore, this variant is classified as benign.

Illumina Laboratory Services, Illumina
Classification: Uncertain significance for Dilated cardiomyopathy 1X. Last evaluated: 2017-04-27. Review status: criteria provided, single submitter. Criteria: ICSL Variant Classification Criteria 13 December 2019. Collection method: clinical testing. Allele origin: germline.

NM_001079802.2(FKTN):c.*1843A>T

Gene: FKTN (fukutin; plus strand). Cytogenetic location: 9q31.2.
Variant type: single nucleotide variant.
Coding change: c.*1843A>T on transcript NM_001079802.2 (MANE Select); 1843 bases downstream of the stop codon, A replaced by T.
Molecular consequence: 3 prime UTR variant. On other transcripts: non-coding transcript variant (2), intron variant (1).
Genome position (GRCh38, 1-based): chr9:105,637,107, A>T. VCF-style: chr9-105637107-A-T. GRCh37 (hg19) VCF-style: chr9-108399388-A-T.
Other names: c.*1843A>T (NM_001351496.2, NM_001351497.2, NM_001351499.2 and 4 more transcripts); c.*2021A>T (NM_001351498.2); c.1270+1959A>T (NM_001198963.2).
Identifiers: ClinVar variation 912584 (VCV000912584.4), dbSNP rs117283748, ClinGen allele CA197462931.
Genomic context (GRCh38, chr9:105,637,107, plus strand): 5'-AAAATCAGCCCATAGAGTGCATTCCCAAATTCTAAATAGCTGACCCTAAATTCATTTTTC[A>T]TGCTTAAAAATAATAGAACAAATAATAATACTATTTTTGGGCAAAATCCACCCTACTTGA-3'